The following is an entry in ClinVar:

ClinVar aggregate classification (germline): Uncertain significance (1 of 4 stars; one submission).

Submission:

GeneDx
Classification: Uncertain significance. Last evaluated: 2024-05-15. Review status: criteria provided, single submitter. Criteria: GeneDx Variant Classification Process June 2021. Collection method: clinical testing. Allele origin: germline. Affected: yes.
Comment: Not observed at significant frequency in large population cohorts (gnomAD); In silico analysis indicates that this missense variant does not alter protein structure/function; Has not been previously published as pathogenic or benign to our knowledge

NM_030665.4(RAI1):c.4057C>T (p.Pro1353Ser)

Gene: RAI1 (retinoic acid induced 1; plus strand). Cytogenetic location: 17p11.2.
Variant type: single nucleotide variant.
Coding change: c.4057C>T on transcript NM_030665.4 (MANE Select); coding-DNA position 4057, C replaced by T.
Protein change: p.Pro1353Ser; replaces proline 1353 with serine.
Molecular consequence: missense variant.
Genome position (GRCh38, 1-based): chr17:17,797,005, C>T. VCF-style: chr17-17797005-C-T. GRCh37 (hg19) VCF-style: chr17-17700319-C-T.
Other names: short protein forms P1353S.
Identifiers: ClinVar variation 3377828 (VCV003377828.1).